The following is an entry in ClinVar:

ClinVar aggregate classification (germline): Benign (0 of 4 stars; one submission).

Conditions:
PIK3C2B-related disorder. Also called: PIK3C2B-related condition.

Allele frequency attached by ClinVar (database versions not stated): ESP Exome Variant Server 0.01153; 1000 Genomes Project 0.13778; 1000 Genomes Project 30x 0.14241; TOPMed 0.14480.
gnomAD v4.1: 155,071 of 1,607,744 alleles (9.6%); highest among the groups gnomAD compares: African/African-American, 26%; 9,016 homozygotes.

Submission:

PreventionGenetics, part of Exact Sciences
Classification: Benign for PIK3C2B-related condition. Last evaluated: 2019-08-02. Review status: no assertion criteria provided. Collection method: clinical testing. Allele origin: germline.
Comment: This variant is classified as benign based on ACMG/AMP sequence variant interpretation guidelines (Richards et al. 2015 PMID: 25741868, with internal and published modifications).

NM_001377334.1(PIK3C2B):c.4383C>T (p.Pro1461=)

Gene: PIK3C2B (phosphatidylinositol-4-phosphate 3-kinase catalytic subunit type 2 beta; minus strand). Cytogenetic location: 1q32.1.
Variant type: single nucleotide variant.
Coding change: c.4383C>T on transcript NM_001377334.1 (MANE Select); coding-DNA position 4383, C replaced by T.
Protein change: p.Pro1461=; no amino-acid change (proline 1461 retained).
Molecular consequence: synonymous variant.
Genome position (GRCh38, 1-based): chr1:204,429,936, G>A on the plus strand (C>T on the coding strand, the complement: PIK3C2B is on the minus strand). VCF-style: chr1-204429936-G-A. GRCh37 (hg19) VCF-style: chr1-204399064-G-A.
Other names: c.4299C>T, p.Pro1433= (NM_001377335.1); c.4383C>T, p.Pro1461= (NM_002646.4).
Identifiers: ClinVar variation 3060841 (VCV003060841.2), dbSNP rs2271420, ClinGen allele CA1347143.